The following is an entry in ClinVar:

NM_002103.5(GYS1):c.661T>G (p.Tyr221Asp)

Gene: GYS1 (glycogen synthase 1; minus strand). Cytogenetic location: 19q13.33.
Variant type: single nucleotide variant.
Coding change: c.661T>G on transcript NM_002103.5 (MANE Select); coding-DNA position 661, T replaced by G.
Protein change: p.Tyr221Asp; replaces tyrosine 221 with aspartic acid.
Molecular consequence: missense variant. On other transcripts: non-coding transcript variant (1).
Genome position (GRCh38, 1-based): chr19:48,985,867, A>C on the plus strand (T>G on the coding strand, the complement: GYS1 is on the minus strand). VCF-style: chr19-48985867-A-C. GRCh37 (hg19) VCF-style: chr19-49489124-A-C.
Other names: c.469T>G, p.Tyr157Asp (NM_001161587.2); short protein forms Y157D, Y221D.
Identifiers: ClinVar variation 1983698 (VCV001983698.1), dbSNP rs200703195, ClinGen allele CA9563279.
Genomic context (GRCh38, chr19:48,985,867, plus strand): 5'-CTGGCATACTCGCAGTCCCCCATCTGCCACGGTCCCAGCTCACGTTCTCCAGGTTGTTGT[A>C]GAAGTCCACGGCACCGGCACACAGGTAGCGCCCCAGCAGCGTGGCATGGGTGGTGAAGAT-3'
Protein context (NP_002094.2, residues 211-231): RYLCAGAVDF[Tyr221Asp]NNLENFNVDK

ClinVar aggregate classification (germline): Uncertain significance (1 of 4 stars; one submission).

Conditions:
Glycogen storage disease due to muscle and heart glycogen synthase deficiency. Also called: MUSCLE GLYCOGEN SYNTHASE DEFICIENCY; GSD 0b. Identifiers: Orphanet 137625, MedGen C1969054, MONDO:0012693, OMIM 611556.

Allele frequency attached by ClinVar (database versions not stated): gnomAD exomes below 0.00001; TOPMed below 0.00001; ExAC 0.00001; ESP Exome Variant Server 0.00008.
gnomAD v4.1: 3 of 1,613,558 alleles (0.00019%); highest among the groups gnomAD compares: Non-Finnish European, 0.00025%; no homozygotes.

Submission:

Labcorp Genetics (formerly Invitae), Labcorp
Classification: Uncertain significance for Glycogen storage disease due to muscle and heart glycogen synthase deficiency. Last evaluated: 2022-10-28. Review status: criteria provided, single submitter. Criteria: Invitae Variant Classification Sherloc (09022015). Collection method: clinical testing. Allele origin: germline.
Comment: This sequence change replaces tyrosine, which is neutral and polar, with aspartic acid, which is acidic and polar, at codon 221 of the GYS1 protein (p.Tyr221Asp). This variant is present in population databases (rs200703195, gnomAD 0.002%). This variant has not been reported in the literature in individuals affected with GYS1-related conditions. Advanced modeling of protein sequence and biophysical properties (such as structural, functional, and spatial information, amino acid conservation, physicochemical variation, residue mobility, and thermodynamic stability) performed at Invitae indicates that this missense variant is expected to disrupt GYS1 protein function. In summary, the available evidence is currently insufficient to determine the role of this variant in disease. Therefore, it has been classified as a Variant of Uncertain Significance.